The following is an entry in ClinVar:

NM_001080414.4(CCDC88C):c.5335C>T (p.Leu1779=)

Gene: CCDC88C (coiled-coil and HOOK domain protein 88C; minus strand). Cytogenetic location: 14q32.11.
Variant type: single nucleotide variant.
Coding change: c.5335C>T on transcript NM_001080414.4 (MANE Select); coding-DNA position 5335, C replaced by T.
Protein change: p.Leu1779=; no amino-acid change (leucine 1779 retained).
Molecular consequence: synonymous variant.
Genome position (GRCh38, 1-based): chr14:91,273,377, G>A on the plus strand (C>T on the coding strand, the complement: CCDC88C is on the minus strand). VCF-style: chr14-91273377-G-A. GRCh37 (hg19) VCF-style: chr14-91739721-G-A.
Identifiers: ClinVar variation 740310 (VCV000740310.10), dbSNP rs374865760, ClinGen allele CA7308671.

ClinVar aggregate classification (germline): Benign. Review status: criteria provided, single submitter (1 of 4 stars). 2 submissions from 2 submitters: Benign (1). 1 of the submissions does not count toward it. Last evaluated 2026-01-12.

Conditions:
CCDC88C-related disorder. Also called: CCDC88C-Related Disorders; CCDC88C-related condition.

Allele frequency attached by ClinVar (database versions not stated): TOPMed 0.00062; gnomAD 0.00066 and 0.00069; ESP Exome Variant Server 0.00075; 1000 Genomes Project 30x 0.00156; 1000 Genomes Project 0.00180; gnomAD exomes 0.00007 and 0.00020; ExAC 0.00058.
gnomAD v4.1: 198 of 1,533,258 alleles (0.013%); highest among the groups gnomAD compares: African/African-American, 0.22%; 2 homozygotes.

Submissions (2):

Labcorp Genetics (formerly Invitae), Labcorp
Classification: Benign. Last evaluated: 2026-01-12. Review status: criteria provided, single submitter. Criteria: Invitae Variant Classification Sherloc (09022015). Collection method: clinical testing. Allele origin: germline.

PreventionGenetics, part of Exact Sciences
Classification: Likely benign for CCDC88C-related condition. Last evaluated: 2019-12-11. Review status: no assertion criteria provided. Collection method: clinical testing. Allele origin: germline. Not counted in ClinVar's aggregate classification.
Comment: This variant is classified as likely benign based on ACMG/AMP sequence variant interpretation guidelines (Richards et al. 2015 PMID: 25741868, with internal and published modifications).